The following is an entry in ClinVar:

ClinVar aggregate classification (germline): Uncertain significance. Review status: criteria provided, multiple submitters, no conflicts (2 of 4 stars). 2 submissions from 2 submitters: Uncertain significance (2). Last evaluated 2026-07-07.

Conditions:
Hereditary cancer-predisposing syndrome. Also called: Neoplastic Syndromes, Hereditary; Hereditary Cancer Syndrome; Tumor predisposition; Hereditary neoplastic syndrome. Identifiers: Orphanet 140162, MedGen C0027672, MeSH D009386, MONDO:0015356.
Multiple endocrine neoplasia, type 2 (MEN2). Identifiers: Orphanet 653, MedGen C4048306, MONDO:0019003. Disease mechanism: gain of function.

Submissions (2):

Ambry Genetics
Classification: Uncertain significance for Hereditary cancer-predisposing syndrome. Last evaluated: 2026-07-07. Review status: criteria provided, single submitter. Criteria: Ambry Variant Classification Scheme 2023. Collection method: clinical testing. Allele origin: germline.
Comment: The p.Q371E variant (also known as c.1111C>G), located in coding exon 6 of the RET gene, results from a C to G substitution at nucleotide position 1111. The glutamine at codon 371 is replaced by glutamic acid, an amino acid with highly similar properties. This amino acid position is conserved. In addition, this alteration is predicted to be tolerated by in silico analysis. Based on the available evidence, the clinical significance of this variant remains unclear.

Labcorp Genetics (formerly Invitae), Labcorp
Classification: Uncertain significance for Multiple endocrine neoplasia, type 2. Last evaluated: 2019-06-28. Review status: criteria provided, single submitter. Criteria: Invitae Variant Classification Sherloc (09022015). Collection method: clinical testing. Allele origin: germline.
Comment: In summary, the available evidence is currently insufficient to determine the role of this variant in disease. Therefore, it has been classified as a Variant of Uncertain Significance. Algorithms developed to predict the effect of missense changes on protein structure and function (SIFT, PolyPhen-2, Align-GVGD) all suggest that this variant is likely to be tolerated, but these predictions have not been confirmed by published functional studies and their clinical significance is uncertain. This variant has not been reported in the literature in individuals with RET-related conditions. This variant is not present in population databases (ExAC no frequency). This sequence change replaces glutamine with glutamic acid at codon 371 of the RET protein (p.Gln371Glu). The glutamine residue is moderately conserved and there is a small physicochemical difference between glutamine and glutamic acid.

NM_020975.6(RET):c.1111C>G (p.Gln371Glu)

Gene: RET (ret proto-oncogene; plus strand). Cytogenetic location: 10q11.21.
Variant type: single nucleotide variant.
Coding change: c.1111C>G on transcript NM_020975.6 (MANE Select); coding-DNA position 1111, C replaced by G.
Protein change: p.Gln371Glu; replaces glutamine 371 with glutamic acid.
Molecular consequence: missense variant.
Genome position (GRCh38, 1-based): chr10:43,109,078, C>G. VCF-style: chr10-43109078-C-G. GRCh37 (hg19) VCF-style: chr10-43604526-C-G.
Other names: c.1111C>G, p.Gln371Glu (NM_001406759.1, NM_001406760.1, NM_001406763.1 and 6 more transcripts); c.982C>G, p.Gln328Glu (NM_001406761.1, NM_001406762.1, NM_001406764.1 and 1 more transcripts); c.823C>G, p.Gln275Glu (NM_001406766.1, NM_001406767.1, NM_001406770.1); c.349C>G, p.Gln117Glu (NM_001355216.2); c.673C>G, p.Gln225Glu (NM_001406771.1, NM_001406773.1); c.385C>G, p.Gln129Glu (NM_001406775.1, NM_001406776.1, NM_001406777.1 and 1 more transcripts); c.121C>G, p.Gln41Glu (NM_001406784.1); short protein forms Q371E, Q117E, Q328E, Q129E, Q275E, Q41E, Q225E.
Identifiers: ClinVar variation 944446 (VCV000944446.11), dbSNP rs1242961674, ClinGen allele CA376547352.
Genomic context (GRCh38, chr10:43,109,078, plus strand): 5'-CCCCTACCTGCAGGGCTGGTTCTCAACCGGAACCTCTCCATCTCGGAGAACCGCACCATG[C>G]AGCTGGCGGTGCTGGTCAATGACTCAGACTTCCAGGGCCCAGGAGCGGGCGTCCTCTTGC-3'
Protein context (NP_066124.1, residues 361-381): NLSISENRTM[Gln371Glu]LAVLVNDSDF